The following is an entry in ClinVar:

ClinVar aggregate classification (germline): Likely benign. Review status: criteria provided, multiple submitters, no conflicts (2 of 4 stars). 3 submissions from 3 submitters: Likely benign (2). 1 of the submissions does not count toward it. Last evaluated 2025-09-05.

Conditions:
VRK1-related disorder. Also called: VRK1-related condition.
Pontocerebellar hypoplasia type 1A (PCH1A). Also called: PONTOCEREBELLAR HYPOPLASIA WITH ANTERIOR HORN CELL DISEASE; PONTOCEREBELLAR HYPOPLASIA WITH INFANTILE SPINAL MUSCULAR ATROPHY. Identifiers: Orphanet 2254, Orphanet 88616, MedGen C1843504, MONDO:0011866, OMIM 607596.

Allele frequency attached by ClinVar (database versions not stated): gnomAD exomes 0.00001 and 0.00004; ExAC 0.00002; ESP Exome Variant Server 0.00015; gnomAD 0.00015 and 0.00016; TOPMed 0.00015.
gnomAD v4.1: 38 of 1,543,222 alleles (0.0025%); highest among the groups gnomAD compares: African/African-American, 0.051%; no homozygotes.

Submissions (3):

PreventionGenetics, part of Exact Sciences
Classification: Likely benign for VRK1-related condition. Last evaluated: 2025-09-05. Review status: criteria provided, single submitter. Criteria: ACMG Guidelines, 2015. Collection method: clinical testing. Allele origin: germline.
Comment: This variant is classified as likely benign based on ACMG/AMP sequence variant interpretation guidelines (Richards et al. 2015 PMID: 25741868, with internal and published modifications).

Labcorp Genetics (formerly Invitae), Labcorp
Classification: Likely benign for Pontocerebellar hypoplasia type 1A. Last evaluated: 2024-10-08. Review status: criteria provided, single submitter. Criteria: Invitae Variant Classification Sherloc (09022015). Collection method: clinical testing. Allele origin: germline.

Natera, Inc.
Classification: Likely benign for Pontocerebellar hypoplasia, type 1a. Last evaluated: 2020-11-26. Review status: no assertion criteria provided. Collection method: clinical testing. Allele origin: germline. Not counted in ClinVar's aggregate classification.

NM_003384.3(VRK1):c.216+8A>G

Gene: VRK1 (VRK serine/threonine kinase 1; plus strand). Cytogenetic location: 14q32.2.
Variant type: single nucleotide variant.
Coding change: c.216+8A>G on transcript NM_003384.3 (MANE Select); 8 bases into the intron after coding-DNA position 216, A replaced by G.
Molecular consequence: intron variant.
Genome position (GRCh38, 1-based): chr14:96,837,825, A>G. VCF-style: chr14-96837825-A-G. GRCh37 (hg19) VCF-style: chr14-97304162-A-G.
Identifiers: ClinVar variation 574652 (VCV000574652.15), dbSNP rs369680885, ClinGen allele CA7338883.
Genomic context (GRCh38, chr14:96,837,825, plus strand): 5'-ATATGAATTCTTCAGAGTCAGTTGGCAGTGATGCACCTTGTGTTGTAAAAGTGGTAAGAA[A>G]TATTTTAGCTAATTTGTTTCTTTTCTGTTGATTTGGTGTAGTATTTTGTAAAATGCCTTT-3'